The following is an entry in ClinVar:

NM_053025.4(MYLK):c.3686A>G (p.Lys1229Arg)

Gene: MYLK (myosin light chain kinase; minus strand). Cytogenetic location: 3q21.1.
Variant type: single nucleotide variant.
Coding change: c.3686A>G on transcript NM_053025.4 (MANE Select); coding-DNA position 3686, A replaced by G.
Protein change: p.Lys1229Arg; replaces lysine 1229 with arginine.
Molecular consequence: missense variant.
Genome position (GRCh38, 1-based): chr3:123,667,154, T>C on the plus strand (A>G on the coding strand, the complement: MYLK is on the minus strand). VCF-style: chr3-123667154-T-C. GRCh37 (hg19) VCF-style: chr3-123386001-T-C.
Other names: c.3158A>G, p.Lys1053Arg (NM_001321309.2); c.3479A>G, p.Lys1160Arg (NM_053026.4, NM_053028.4); c.3686A>G, p.Lys1229Arg (NM_053027.4); short protein forms K1053R, K1229R, K1160R.
Identifiers: ClinVar variation 3665149 (VCV003665149.2).

ClinVar aggregate classification (germline): Uncertain significance (1 of 4 stars; one submission).

Conditions:
Aortic aneurysm, familial thoracic 7 (AAT7). Also called: AORTIC DISSECTION, FAMILIAL, WITH OR WITHOUT AORTIC ANEURYSM. Identifiers: MedGen C3151077, MONDO:0013418, OMIM 613780.

gnomAD v4.1: 6 of 1,614,168 alleles (0.00037%); highest among the groups gnomAD compares: Admixed American, 0.0083%; no homozygotes.

Submission:

Labcorp Genetics (formerly Invitae), Labcorp
Classification: Uncertain significance for Aortic aneurysm, familial thoracic 7. Last evaluated: 2024-06-04. Review status: criteria provided, single submitter. Criteria: Invitae Variant Classification Sherloc (09022015). Collection method: clinical testing. Allele origin: germline.
Comment: This sequence change replaces lysine, which is basic and polar, with arginine, which is basic and polar, at codon 1229 of the MYLK protein (p.Lys1229Arg). This variant is present in population databases (rs773569660, gnomAD 0.009%). This variant has not been reported in the literature in individuals affected with MYLK-related conditions. Advanced modeling of protein sequence and biophysical properties (such as structural, functional, and spatial information, amino acid conservation, physicochemical variation, residue mobility, and thermodynamic stability) performed at Invitae indicates that this missense variant is not expected to disrupt MYLK protein function with a negative predictive value of 80%. In summary, the available evidence is currently insufficient to determine the role of this variant in disease. Therefore, it has been classified as a Variant of Uncertain Significance.